The following is an entry in ClinVar:

NM_002979.5(SCP2):c.1273A>G (p.Ser425Gly)

Gene: SCP2 (sterol carrier protein 2; plus strand). Cytogenetic location: 1p32.3.
Variant type: single nucleotide variant.
Coding change: c.1273A>G on transcript NM_002979.5 (MANE Select); coding-DNA position 1273, A replaced by G.
Protein change: p.Ser425Gly; replaces serine 425 with glycine.
Molecular consequence: missense variant.
Genome position (GRCh38, 1-based): chr1:53,028,006, A>G. VCF-style: chr1-53028006-A-G. GRCh37 (hg19) VCF-style: chr1-53493678-A-G.
Other names: c.1273A>G (NM_002979.4); c.61A>G, p.Ser21Gly (NM_001007099.3, NM_001007250.3); c.52A>G, p.Ser18Gly (NM_001007100.3); c.1201A>G, p.Ser401Gly (NM_001193599.2); c.1141A>G, p.Ser381Gly (NM_001193600.2); c.1030A>G, p.Ser344Gly (NM_001193617.2); short protein forms S21G, S401G, S425G, S18G, S344G, S381G.
Identifiers: ClinVar variation 1992025 (VCV001992025.2), dbSNP rs2524955842, ClinGen allele CA340377450.

ClinVar aggregate classification (germline): Uncertain significance. Review status: criteria provided, multiple submitters, no conflicts (2 of 4 stars). 2 submissions from 2 submitters: Uncertain significance (2). Last evaluated 2025-08-08.

Allele frequency attached by ClinVar (database versions not stated): gnomAD exomes below 0.00001.
gnomAD v4.1: 3 of 1,612,006 alleles (0.00019%); highest among the groups gnomAD compares: Non-Finnish European, 0.00025%; no homozygotes.

Submissions (2):

Ambry Genetics
Classification: Uncertain significance. Last evaluated: 2025-08-08. Review status: criteria provided, single submitter. Criteria: Ambry Variant Classification Scheme 2023. Collection method: clinical testing. Allele origin: germline.

Labcorp Genetics (formerly Invitae), Labcorp
Classification: Uncertain significance. Last evaluated: 2022-06-18. Review status: criteria provided, single submitter. Criteria: Invitae Variant Classification Sherloc (09022015). Collection method: clinical testing. Allele origin: germline.
Comment: This sequence change replaces serine, which is neutral and polar, with glycine, which is neutral and non-polar, at codon 425 of the SCP2 protein (p.Ser425Gly). This variant is not present in population databases (gnomAD no frequency). This variant has not been reported in the literature in individuals affected with SCP2-related conditions. Algorithms developed to predict the effect of missense changes on protein structure and function output the following: SIFT: "Tolerated"; PolyPhen-2: "Benign"; Align-GVGD: "Class C0". The glycine amino acid residue is found in multiple mammalian species, which suggests that this missense change does not adversely affect protein function. In summary, the available evidence is currently insufficient to determine the role of this variant in disease. Therefore, it has been classified as a Variant of Uncertain Significance.